The following is an entry in ClinVar:

ClinVar aggregate classification (germline): Uncertain significance. Review status: criteria provided, multiple submitters, no conflicts (2 of 4 stars). 2 submissions from 2 submitters: Uncertain significance (2). Last evaluated 2025-06-17.

Conditions:
Cardiovascular phenotype. Identifiers: MedGen CN230736.
Hypercholesterolemia, autosomal dominant, type B (FHCL2). Also called: APOB-Related Familial Hypercholesterolemia, Autosomal Dominant; Familial Hypercholesterolemia Type B; APOLIPOPROTEIN B-100, FAMILIAL DEFECTIVE; APOLIPOPROTEIN B-100, FAMILIAL LIGAND-DEFECTIVE; Hyperlipoproteinemia Type IIb; Familial hypercholesterolemia 2. Identifiers: MedGen C1704417, MONDO:0007751, OMIM 144010.
Familial hypobetalipoproteinemia 1. Also called: APOB-Related Familial Hypobetalipoproteinemia; Hypobetalipoproteinemia, normotriglyceridemic; Acanthocytosis with hypobetalipoproteinemia. Identifiers: MedGen C4551990, MONDO:0014252, OMIM 615558.

Allele frequency attached by ClinVar (database versions not stated): TOPMed below 0.00001; gnomAD exomes 0.00001.
gnomAD v4.1: 10 of 1,613,996 alleles (0.00062%); highest among the groups gnomAD compares: Non-Finnish European, 0.00076%; no homozygotes.

Submissions (2):

Ambry Genetics
Classification: Uncertain significance for Cardiovascular phenotype. Last evaluated: 2025-06-17. Review status: criteria provided, single submitter. Criteria: Ambry Variant Classification Scheme 2023. Collection method: clinical testing. Allele origin: germline.

Labcorp Genetics (formerly Invitae), Labcorp
Classification: Uncertain significance for Familial hypobetalipoproteinemia 1; Hypercholesterolemia, autosomal dominant, type B. Last evaluated: 2021-08-27. Review status: criteria provided, single submitter. Criteria: Invitae Variant Classification Sherloc (09022015). Collection method: clinical testing. Allele origin: germline.
Comment: This sequence change replaces serine with threonine at codon 3609 of the APOB protein (p.Ser3609Thr). The serine residue is moderately conserved and there is a small physicochemical difference between serine and threonine. This variant is not present in population databases (ExAC no frequency). This variant has not been reported in the literature in individuals affected with APOB-related conditions. Algorithms developed to predict the effect of missense changes on protein structure and function (SIFT, PolyPhen-2, Align-GVGD) all suggest that this variant is likely to be tolerated. In summary, the available evidence is currently insufficient to determine the role of this variant in disease. Therefore, it has been classified as a Variant of Uncertain Significance.

NM_000384.3(APOB):c.10825T>A (p.Ser3609Thr)

Gene: APOB (apolipoprotein B; minus strand). Cytogenetic location: 2p24.1.
Variant type: single nucleotide variant.
Coding change: c.10825T>A on transcript NM_000384.3 (MANE Select); coding-DNA position 10825, T replaced by A.
Protein change: p.Ser3609Thr; replaces serine 3609 with threonine.
Molecular consequence: missense variant.
Genome position (GRCh38, 1-based): chr2:21,006,043, A>T on the plus strand (T>A on the coding strand, the complement: APOB is on the minus strand). VCF-style: chr2-21006043-A-T. GRCh37 (hg19) VCF-style: chr2-21228915-A-T.
Other names: short protein forms S3609T.
Identifiers: ClinVar variation 404407 (VCV000404407.12), dbSNP rs1060500239, ClinGen allele CA16610572.